The following is an entry in ClinVar:

ClinVar aggregate classification (germline): Uncertain significance (1 of 4 stars; one submission).

Submission:

GeneDx
Classification: Uncertain significance. Last evaluated: 2026-02-12. Review status: criteria provided, single submitter. Criteria: GeneDx Variant Classification Process June 2021. Collection method: clinical testing. Allele origin: germline.
Comment: Not observed at significant frequency in large population cohorts (gnomAD); In silico analysis supports a deleterious effect on protein structure/function; Has not been previously published as pathogenic or benign to our knowledge

NM_020795.4(NLGN2):c.194_195delinsAA (p.Pro65Gln)

Gene: NLGN2 (neuroligin 2; plus strand). Cytogenetic location: 17p13.1.
Variant type: Indel.
Coding change: c.194_195delinsAA on transcript NM_020795.4 (MANE Select); coding-DNA positions 194 to 195, CC replaced by AA.
Protein change: p.Pro65Gln; replaces proline 65 with glutamine.
Molecular consequence: missense variant.
Genome position (GRCh38, 1-based): chr17:7,408,449-7,408,450, CC replaced by AA. VCF-style: chr17-7408449-CC-AA. GRCh37 (hg19) VCF-style: chr17-7311768-CC-AA.
Other names: short protein forms P65Q.
Identifiers: ClinVar variation 4976397 (VCV004976397.1).